The following is an entry in ClinVar:

ClinVar aggregate classification (germline): Conflicting classifications of pathogenicity. Review status: criteria provided, conflicting classifications (1 of 4 stars). 2 submissions from 2 submitters: Likely pathogenic (1); Uncertain significance (1). Last evaluated 2025-07-31.

Submissions (2):

Women's Health and Genetics/Laboratory Corporation of America, LabCorp
Classification: Uncertain significance. Last evaluated: 2025-07-31. Review status: criteria provided, single submitter. Criteria: LabCorp Variant Classification Summary - May 2015. Collection method: clinical testing. Allele origin: germline.
Comment: Variant summary: SLC12A3 c.2191G>T (p.Gly731Trp) results in a non-conservative amino acid change located in the SLC12A transporter, C-terminal domain (IPR018491) of the encoded protein sequence. Algorithms developed to predict the effect of missense changes on protein structure and function all suggest that this variant is likely to be disruptive. The variant was absent in 251158 control chromosomes (gnomAD). The available data on variant occurrences in the general population are insufficient to allow any conclusion about variant significance. To our knowledge, no occurrence of c.2191G>T in individuals affected with Familial Hypokalemia-Hypomagnesemia and no experimental evidence demonstrating its impact on protein function have been reported. ClinVar contains an entry for this variant (Variation ID: 1957657). Based on the evidence outlined above, the variant was classified as uncertain significance.

Labcorp Genetics (formerly Invitae), Labcorp
Classification: Likely pathogenic. Last evaluated: 2022-08-08. Review status: criteria provided, single submitter. Criteria: Invitae Variant Classification Sherloc (09022015). Collection method: clinical testing. Allele origin: germline.
Comment: This sequence change replaces glycine, which is neutral and non-polar, with tryptophan, which is neutral and slightly polar, at codon 731 of the SLC12A3 protein (p.Gly731Trp). This variant is not present in population databases (gnomAD no frequency). In summary, the currently available evidence indicates that the variant is pathogenic, but additional data are needed to prove that conclusively. Therefore, this variant has been classified as Likely Pathogenic. This variant disrupts the p.Gly731 amino acid residue in SLC12A3. Other variant(s) that disrupt this residue have been determined to be pathogenic (PMID: 8900229, 12112667, 21415153, 25422309). This suggests that this residue is clinically significant, and that variants that disrupt this residue are likely to be disease-causing. Advanced modeling of protein sequence and biophysical properties (such as structural, functional, and spatial information, amino acid conservation, physicochemical variation, residue mobility, and thermodynamic stability) performed at Invitae indicates that this missense variant is expected to disrupt SLC12A3 protein function. This variant has not been reported in the literature in individuals affected with SLC12A3-related conditions.

Literature cited by the submitters: PubMed 8900229 (cited by Labcorp Genetics (formerly Invitae), Labcorp); PubMed 12112667 (cited by Labcorp Genetics (formerly Invitae), Labcorp); PubMed 21415153 (cited by Labcorp Genetics (formerly Invitae), Labcorp); PubMed 25422309 (cited by Labcorp Genetics (formerly Invitae), Labcorp).

NM_001126108.2(SLC12A3):c.2191G>T (p.Gly731Trp)

Gene: SLC12A3 (solute carrier family 12 member 3; plus strand). Cytogenetic location: 16q13.
Variant type: single nucleotide variant.
Coding change: c.2191G>T on transcript NM_001126108.2 (MANE Select); coding-DNA position 2191, G replaced by T.
Protein change: p.Gly731Trp; replaces glycine 731 with tryptophan.
Molecular consequence: missense variant.
Genome position (GRCh38, 1-based): chr16:56,887,937, G>T. VCF-style: chr16-56887937-G-T. GRCh37 (hg19) VCF-style: chr16-56921849-G-T.
Other names: c.2191G>T, p.Gly731Trp (NM_000339.3); c.2188G>T, p.Gly730Trp (NM_001126107.2, NM_001410896.1); short protein forms G731W, G730W.
Identifiers: ClinVar variation 1957657 (VCV001957657.7), dbSNP rs752101663, ClinGen allele CA395994567.